The following is an entry in ClinVar:

NM_002470.4(MYH3):c.4800C>G (p.Ser1600Arg)

Gene: MYH3 (myosin heavy chain 3; minus strand). Cytogenetic location: 17p13.1.
Variant type: single nucleotide variant.
Coding change: c.4800C>G on transcript NM_002470.4 (MANE Select); coding-DNA position 4800, C replaced by G.
Protein change: p.Ser1600Arg; replaces serine 1600 with arginine.
Molecular consequence: missense variant.
Genome position (GRCh38, 1-based): chr17:10,632,632, G>C on the plus strand (C>G on the coding strand, the complement: MYH3 is on the minus strand). VCF-style: chr17-10632632-G-C. GRCh37 (hg19) VCF-style: chr17-10535949-G-C.
Other names: short protein forms S1600R.
Identifiers: ClinVar variation 1718506 (VCV001718506.5), dbSNP rs551564834, ClinGen allele CA398137054.
Genomic context (GRCh38, chr17:10,632,632, plus strand): 5'-CTCCATCTTCTTCTTGAGCCGGATGGCTTCATTCCTGCTCCGCACCTCGGCGTCCAGGGC[G>C]CTCTGCATGGTTTCCACTGTTCTCTGGTAGTTCCTCTTCAGCTGCTCGATCTCTTCATCC-3'
Protein context (NP_002461.2, residues 1590-1610): NYQRTVETMQ[Ser1600Arg]ALDAEVRSRN

ClinVar aggregate classification (germline): Uncertain significance (1 of 4 stars; one submission).

Submission:

Labcorp Genetics (formerly Invitae), Labcorp
Classification: Uncertain significance. Last evaluated: 2023-08-04. Review status: criteria provided, single submitter. Criteria: Invitae Variant Classification Sherloc (09022015). Collection method: clinical testing. Allele origin: germline.
Comment: In summary, the available evidence is currently insufficient to determine the role of this variant in disease. Therefore, it has been classified as a Variant of Uncertain Significance. Advanced modeling of protein sequence and biophysical properties (such as structural, functional, and spatial information, amino acid conservation, physicochemical variation, residue mobility, and thermodynamic stability) performed at Invitae indicates that this missense variant is not expected to disrupt MYH3 protein function. ClinVar contains an entry for this variant (Variation ID: 1718506). This variant has not been reported in the literature in individuals affected with MYH3-related conditions. This variant is not present in population databases (gnomAD no frequency). This sequence change replaces serine, which is neutral and polar, with arginine, which is basic and polar, at codon 1600 of the MYH3 protein (p.Ser1600Arg).